The following is an entry in ClinVar:

ClinVar aggregate classification (germline): Uncertain significance (1 of 4 stars; one submission).

Submission:

GeneDx
Classification: Uncertain significance. Last evaluated: 2024-09-17. Review status: criteria provided, single submitter. Criteria: GeneDx Variant Classification Process June 2021. Collection method: clinical testing. Allele origin: germline. Affected: yes.
Comment: Not observed at significant frequency in large population cohorts (gnomAD); Has not been previously published as pathogenic or benign to our knowledge; In silico analysis is inconclusive as to whether the variant alters gene splicing. In the absence of RNA/functional studies, the actual effect of this sequence change is unknown.

NM_170606.3(KMT2C):c.12139+5G>C

Gene: KMT2C (lysine methyltransferase 2C; minus strand). Cytogenetic location: 7q36.1.
Variant type: single nucleotide variant.
Coding change: c.12139+5G>C on transcript NM_170606.3 (MANE Select); 5 bases into the intron after coding-DNA position 12139, G replaced by C.
Molecular consequence: intron variant.
Genome position (GRCh38, 1-based): chr7:152,154,262, C>G on the plus strand (G>C on the coding strand, the complement: KMT2C is on the minus strand). VCF-style: chr7-152154262-C-G. GRCh37 (hg19) VCF-style: chr7-151851347-C-G.
Identifiers: ClinVar variation 3770075 (VCV003770075.1).